The following is an entry in ClinVar:

ClinVar aggregate classification (germline): Uncertain significance (1 of 4 stars; one submission).

Submission:

Labcorp Genetics (formerly Invitae), Labcorp
Classification: Uncertain significance. Last evaluated: 2021-08-05. Review status: criteria provided, single submitter. Criteria: Invitae Variant Classification Sherloc (09022015). Collection method: clinical testing. Allele origin: germline.
Comment: This sequence change replaces methionine with isoleucine at codon 562 of the POLE protein (p.Met562Ile). The methionine residue is moderately conserved and there is a small physicochemical difference between methionine and isoleucine. In summary, the available evidence is currently insufficient to determine the role of this variant in disease. Therefore, it has been classified as a Variant of Uncertain Significance. Algorithms developed to predict the effect of sequence changes on RNA splicing suggest that this variant may disrupt the consensus splice site. Algorithms developed to predict the effect of missense changes on protein structure and function (SIFT, PolyPhen-2, Align-GVGD) all suggest that this variant is likely to be tolerated. This variant has not been reported in the literature in individuals affected with POLE-related conditions. This variant is not present in population databases (ExAC no frequency).

NM_006231.4(POLE):c.1686G>A (p.Met562Ile)

Gene: POLE (DNA polymerase epsilon, catalytic subunit; minus strand). Cytogenetic location: 12q24.33.
Variant type: single nucleotide variant.
Coding change: c.1686G>A on transcript NM_006231.4 (MANE Select); coding-DNA position 1686, G replaced by A.
Protein change: p.Met562Ile; replaces methionine 562 with isoleucine.
Molecular consequence: missense variant.
Genome position (GRCh38, 1-based): chr12:132,672,627, C>T on the plus strand (G>A on the coding strand, the complement: POLE is on the minus strand). VCF-style: chr12-132672627-C-T. GRCh37 (hg19) VCF-style: chr12-133249213-C-T.
Other names: short protein forms M562I.
Identifiers: ClinVar variation 1400829 (VCV001400829.8), dbSNP rs2135992662, ClinGen allele CA387356441.